The following is an entry in ClinVar:

ClinVar aggregate classification (germline): Pathogenic (1 of 4 stars; one submission).

Submission:

Labcorp Genetics (formerly Invitae), Labcorp
Classification: Pathogenic. Last evaluated: 2021-12-10. Review status: criteria provided, single submitter. Criteria: Invitae Variant Classification Sherloc (09022015). Collection method: clinical testing. Allele origin: germline.
Comment: This variant has not been reported in the literature in individuals affected with TUBGCP6-related conditions. For these reasons, this variant has been classified as Pathogenic. This variant is not present in population databases (gnomAD no frequency). This sequence change creates a premature translational stop signal (p.Trp1158*) in the TUBGCP6 gene. It is expected to result in an absent or disrupted protein product. Loss-of-function variants in TUBGCP6 are known to be pathogenic (PMID: 25344692).

Literature cited by the submitters: PubMed 25344692.

NM_020461.4(TUBGCP6):c.3474G>A (p.Trp1158Ter)

Gene: TUBGCP6 (tubulin gamma complex component 6; minus strand). Cytogenetic location: 22q13.33.
Variant type: single nucleotide variant.
Coding change: c.3474G>A on transcript NM_020461.4 (MANE Select); coding-DNA position 3474, G replaced by A.
Protein change: p.Trp1158Ter; replaces tryptophan 1158 with a stop codon.
Molecular consequence: nonsense.
Genome position (GRCh38, 1-based): chr22:50,220,885, C>T on the plus strand (G>A on the coding strand, the complement: TUBGCP6 is on the minus strand). VCF-style: chr22-50220885-C-T. GRCh37 (hg19) VCF-style: chr22-50659314-C-T.
Other names: short protein forms W1158*.
Identifiers: ClinVar variation 2039271 (VCV002039271.4), dbSNP rs1039396284, ClinGen allele CA412182254.
Genomic context (GRCh38, chr22:50,220,885, plus strand): 5'-CATGTCTGACACAGACTCCCCCAAGCTGATGCTGGCATCGGACACGTGTCCATGGGTGTT[C>T]CACCGTGGCCGGGTGGGAGCCACGTCCGACACGTTCTCCCCAACCCTGATGCTGGCGTTG-3'